The following is an entry in ClinVar:

ClinVar aggregate classification (germline): Likely benign (1 of 4 stars; one submission).

Conditions:
Familial adenomatous polyposis 2. Also called: COLORECTAL ADENOMATOUS POLYPOSIS, AUTOSOMAL RECESSIVE; ADENOMAS, MULTIPLE COLORECTAL, AUTOSOMAL RECESSIVE; MYH-associated polyposis; MUTYH-associated polyposis; MUTYH-related attenuated familial adenomatous polyposis; MUTYH Polyposis. Identifiers: Orphanet 220460, Orphanet 247798, MedGen C3272841, MONDO:0012041, OMIM 608456.

Submission:

All of Us Research Program, National Institutes of Health
Classification: Likely benign for Familial adenomatous polyposis 2. Last evaluated: 2023-02-15. Review status: criteria provided, single submitter. Criteria: ACMG Guidelines, 2015. Collection method: clinical testing. Allele origin: germline. Inheritance: Autosomal recessive inheritance. Observed: 1 variant allele, 1 heterozygote.
Comment: This study involves interpretation of variants in research participants for the purpose of population health screening. Participant phenotype was not available at the time of variant classification. Additional details can be found in publication PMID: 35346344, PMCID: PMC8962531

NM_001048174.2(MUTYH):c.116-56A>G

Gene: MUTYH (mutY DNA glycosylase; minus strand). Cytogenetic location: 1p34.1.
Variant type: single nucleotide variant.
Coding change: c.116-56A>G on transcript NM_001048174.2 (MANE Select); 56 bases into the intron before coding-DNA position 116, A replaced by G.
Molecular consequence: intron variant. On other transcripts: 5 prime UTR variant (1).
Genome position (GRCh38, 1-based): chr1:45,333,617, T>C on the plus strand (A>G on the coding strand, the complement: MUTYH is on the minus strand). VCF-style: chr1-45333617-T-C. GRCh37 (hg19) VCF-style: chr1-45799289-T-C.
Other names: c.-25A>G (NM_001407075.1); c.116-56A>G (NM_001407072.1, NM_001048171.2, NM_001407070.1 and 6 more transcripts); c.-92-120A>G (NM_001350651.2, NM_001407082.1); c.-97-120A>G (NM_001293192.2, NM_001293196.2, NM_001407091.1); c.-156-56A>G (NM_001350650.2); c.158-56A>G (NM_001407073.1); c.158-53A>G (NM_001293190.2); c.158-23A>G (NM_001407069.1, NM_012222.3); and 5 more.
Identifiers: ClinVar variation 3069365 (VCV003069365.1), dbSNP rs1557488201, ClinGen allele CA2825000975.